The following is an entry in ClinVar:

NM_000512.5(GALNS):c.863del (p.Asp288fs)

Gene: GALNS (galactosamine (N-acetyl)-6-sulfatase; minus strand). Cytogenetic location: 16q24.3.
Variant type: Deletion.
Coding change: c.863del on transcript NM_000512.5 (MANE Select); coding-DNA position 863, one base deleted (A; older notation c.863delA).
Protein change: p.Asp288fs; shifts the reading frame from aspartic acid 288.
Molecular consequence: frameshift variant.
Genome position (GRCh38, 1-based): chr16:88,835,248, T deleted on the plus strand (A on the coding strand, the reverse complement: GALNS is on the minus strand). VCF-style (leftmost placement, unchanged base first): chr16-88835247-GT-G. GRCh37 (hg19) VCF-style: chr16-88901655-GT-G.
Other names: c.308del, p.Asp103fs (NM_001323543.2); c.881del, p.Asp294fs (NM_001323544.2); short protein forms D103fs, D288fs, D294fs.
Identifiers: ClinVar variation 1048422 (VCV001048422.3), dbSNP rs2143001135, ClinGen allele CA2499223752.

ClinVar aggregate classification (germline): Pathogenic (1 of 4 stars; one submission).

Conditions:
Mucopolysaccharidosis, MPS-IV-A (MPS4A). Also called: Mucopolysaccharidosis type IV A; Mucopolysaccharidosis Type IVA; Morquio syndrome A, mild; MORQUIO SYNDROME A; MPS IVA; mucopolysaccharidosis type 4A. Identifiers: Orphanet 309297, Orphanet 582, MedGen C0086651, MONDO:0009659, OMIM 253000.

Submission:

Laboratory of Diagnosis and Therapy of Lysosomal Disorders, University of Padova
Classification: Pathogenic for Mucopolysaccharidosis, MPS-IV-A. Last evaluated: 2021-02-01. Review status: criteria provided, single submitter. Criteria: ACMG Guidelines, 2015. Collection method: research. Allele origin: germline. Affected: yes.
Comment: Frameshift variant (PVS1_very strong); in vivo functional studies supportive of a damaging effect on the gene product (low to null enzymatic activity in homozygotes; PS3_supporting); located in a mutational hot spot and/or critical and well-established functional domain without benign variation (PM1_moderate); absent from gnomAD v2.1.1 (PM2_moderate)

Literature cited by the submitters: PubMed 34387910.